The following is an entry in ClinVar:

ClinVar aggregate classification (germline): Likely pathogenic (1 of 4 stars; one submission).

gnomAD v4.1: 1 of 1,613,084 alleles (0.000062%); highest among the groups gnomAD compares: Non-Finnish European, 0.000085%; no homozygotes.

Submission:

ARUP Laboratories, Molecular Genetics and Genomics, ARUP Laboratories
Classification: Likely pathogenic. Last evaluated: 2024-10-28. Review status: criteria provided, single submitter. Criteria: ARUP Molecular Germline Variant Investigation Process 2024. Collection method: clinical testing. Allele origin: germline.
Comment: The COL2A1 c.3014G>A; p.Gly1005Asp variant, to our knowledge, is not reported in the medical literature or gene specific databases. This variant is also absent from the Genome Aggregation Database (v2.1.1), indicating it is not a common polymorphism. Computational analyses predict that this variant is deleterious (REVEL: 0.997). This variant disrupts the repeating Gly-X-Y sequence motif of the collagen triple helix and is predicted to impair collagen function (Barat-Houari 2016). Additionally, another variant at this codon (c.3013G>A, p.Gly1005Ser) has been reported in individuals with hypochondrogenesis and achrondrogenesis and is considered likely pathogenic (Bonaventure 1995, Liu 2019). Based on available information, the p.Gly1005Asp variant is considered to be likely pathogenic. References: Barat-Houari M et al. Mutation Update for COL2A1 Gene Variants Associated with Type II Collagenopathies. Hum Mutat. 2016 Jan;37(1):7-15. PMID: 26443184. Bonaventure J et al. Substitution of aspartic acid for glycine at position 310 in type II collagen produces achondrogenesis II, and substitution of serine at position 805 produces hypochondrogenesis: analysis of genotype-phenotype relationships. Biochem J. 1995 May 1;307 ( Pt 3)(Pt 3):823-30. PMID: 7741714. Liu Y et al. Prenatal diagnosis of fetal skeletal dysplasia using targeted next-generation sequencing: an analysis of 30 cases. Diagn Pathol. 2019 Jul 13;14(1):76. PMID: 31299979.

NM_001844.5(COL2A1):c.3014G>A (p.Gly1005Asp)

Gene: COL2A1 (collagen type II alpha 1 chain; minus strand). Cytogenetic location: 12q13.11.
Variant type: single nucleotide variant.
Coding change: c.3014G>A on transcript NM_001844.5 (MANE Select); coding-DNA position 3014, G replaced by A.
Protein change: p.Gly1005Asp; replaces glycine 1005 with aspartic acid.
Molecular consequence: missense variant.
Genome position (GRCh38, 1-based): chr12:47,978,107, C>T on the plus strand (G>A on the coding strand, the complement: COL2A1 is on the minus strand). VCF-style: chr12-47978107-C-T. GRCh37 (hg19) VCF-style: chr12-48371890-C-T.
Other names: c.2807G>A, p.Gly936Asp (NM_033150.3); short protein forms G1005D, G936D.
Identifiers: ClinVar variation 3766933 (VCV003766933.1).
Genomic context (GRCh38, chr12:47,978,107, plus strand): 5'-GGAGGACCCACGGGGCCAGGAGGACCTCTGTCTCCAGATGCTCCAGGAGCACCCTGCTTG[C>T]CGGGCTCACCCTGGAGGGACAGAGACAAGGATGATGAGTGCAAGTGGTAAGCACCCCTGC-3'
Protein context (NP_001835.3, residues 995-1015): PGLPGPSGEP[Gly1005Asp]KQGAPGASGD